The following is an entry in ClinVar:

NM_001135649.3(FOXI3):c.152A>T (p.Asn51Ile)

Gene: FOXI3 (forkhead box I3; minus strand). Cytogenetic location: 2p11.2.
Variant type: single nucleotide variant.
Coding change: c.152A>T on transcript NM_001135649.3 (MANE Select); coding-DNA position 152, A replaced by T.
Protein change: p.Asn51Ile; replaces asparagine 51 with isoleucine.
Molecular consequence: missense variant.
Genome position (GRCh38, 1-based): chr2:88,452,384, T>A on the plus strand (A>T on the coding strand, the complement: FOXI3 is on the minus strand). VCF-style: chr2-88452384-T-A. GRCh37 (hg19) VCF-style: chr2-88751902-T-A.
Other names: short protein forms N51I.
Identifiers: ClinVar variation 1510612 (VCV001510612.6), dbSNP rs1676067748, ClinGen allele CA347766949.
Genomic context (GRCh38, chr2:88,452,384, plus strand): 5'-GCTGCGGCGGCGGCGGAGGGCGGGCCTCCCACGCCGGGCCCGTTGAGCCACAGGTAGGGG[T>A]TGGCGGCGGCGGCCGGCGGCGCGGCGTAGTCGGCCAGCCCGTAAGGCGCCCTGGCTGCCG-3'
Protein context (NP_001129121.1, residues 41-61): DYAAPPAAAA[Asn51Ile]PYLWLNGPGV

ClinVar aggregate classification (germline): Uncertain significance (1 of 4 stars; one submission).

gnomAD v4.1: 1 of 986,854 alleles (0.0001%); no homozygotes.

Submission:

Labcorp Genetics (formerly Invitae), Labcorp
Classification: Uncertain significance. Last evaluated: 2021-10-12. Review status: criteria provided, single submitter. Criteria: Invitae Variant Classification Sherloc (09022015). Collection method: clinical testing. Allele origin: germline.
Comment: The frequency data for this variant in the population databases is considered unreliable, as metrics indicate insufficient coverage at this position in the ExAC database. In summary, the available evidence is currently insufficient to determine the role of this variant in disease. Therefore, it has been classified as a Variant of Uncertain Significance. Experimental studies and prediction algorithms are not available or were not evaluated, and the functional significance of this variant is currently unknown. This variant has not been reported in the literature in individuals affected with FOXI3-related conditions. This sequence change replaces asparagine with isoleucine at codon 51 of the FOXI3 protein (p.Asn51Ile). The asparagine residue is moderately conserved and there is a large physicochemical difference between asparagine and isoleucine.